The following is an entry in ClinVar:

NM_004260.4(RECQL4):c.2122A>G (p.Asn708Asp)

Gene: RECQL4 (RecQ like helicase 4; minus strand). Cytogenetic location: 8q24.3.
Variant type: single nucleotide variant.
Coding change: c.2122A>G on transcript NM_004260.4 (MANE Select); coding-DNA position 2122, A replaced by G.
Protein change: p.Asn708Asp; replaces asparagine 708 with aspartic acid.
Molecular consequence: missense variant.
Genome position (GRCh38, 1-based): chr8:144,513,649, T>C on the plus strand (A>G on the coding strand, the complement: RECQL4 is on the minus strand). VCF-style: chr8-144513649-T-C. GRCh37 (hg19) VCF-style: chr8-145739033-T-C.
Other names: short protein forms N708D.
Identifiers: ClinVar variation 1483834 (VCV001483834.6), dbSNP rs2130683818, ClinGen allele CA372679850.

ClinVar aggregate classification (germline): Uncertain significance (1 of 4 stars; one submission).

Conditions:
Baller-Gerold syndrome (BGS). Also called: CRANIOSYNOSTOSIS WITH RADIAL DEFECTS. Identifiers: Orphanet 1225, MedGen C0265308, MONDO:0009039, OMIM 218600.

Submission:

Labcorp Genetics (formerly Invitae), Labcorp
Classification: Uncertain significance for Baller-Gerold syndrome. Last evaluated: 2022-09-07. Review status: criteria provided, single submitter. Criteria: Invitae Variant Classification Sherloc (09022015). Collection method: clinical testing. Allele origin: germline.
Comment: In summary, the available evidence is currently insufficient to determine the role of this variant in disease. Therefore, it has been classified as a Variant of Uncertain Significance. Experimental studies and prediction algorithms are not available or were not evaluated, and the functional significance of this variant is currently unknown. ClinVar contains an entry for this variant (Variation ID: 1483834). This variant has not been reported in the literature in individuals affected with RECQL4-related conditions. This variant is not present in population databases (gnomAD no frequency). This sequence change replaces asparagine, which is neutral and polar, with aspartic acid, which is acidic and polar, at codon 708 of the RECQL4 protein (p.Asn708Asp).